The following is an entry in ClinVar:

ClinVar aggregate classification (germline): Likely pathogenic (1 of 4 stars; one submission).

Conditions:
Emery-Dreifuss muscular dystrophy 5, autosomal dominant (EDMD5). Also called: EMERY-DREIFUSS MUSCULAR DYSTROPHY 5. Identifiers: Orphanet 261, MedGen C2751805, MONDO:0013072, OMIM 612999.

Submission:

Diagnostics Services (NGS), CSIR - Centre For Cellular And Molecular Biology
Classification: Likely pathogenic for Emery-Dreifuss muscular dystrophy 5, autosomal dominant. Last evaluated: 2023-06-22. Review status: criteria provided, single submitter. Criteria: ACMG Guidelines, 2015. Collection method: clinical testing. Allele origin: unknown. Affected: yes. Observed: 1 variant allele, 1 heterozygote.
Comment: The c.990_990+4del variant is not present in publicly available population databases like 1000 Genomes, ExAC, EVS, gnomAD, Indian Exome Database or our in-house exome database. This variant has neither been published in literature nor reported to clinical databases like ClinVar, Human Gene Mutation Database (HGMD) or OMIM, in any affected individuals. In-silico pathogenicity prediction programs like MutationTaster2, CADD, Varsome, Franklin etc predicted this variant to be likely deleterious. This variant causes loss of exon-intron donor splice-junction and is predicted to affect splicing of mRNA by the activation of a cryptic donor site.

NM_182914.3(SYNE2):c.990_990+4del

Gene: SYNE2 (spectrin repeat containing nuclear envelope protein 2; plus strand). Cytogenetic location: 14q23.2.
Variant type: Deletion.
Coding change: c.990_990+4del on transcript NM_182914.3 (MANE Select); coding-DNA position 990 through 4 bases into the intron after coding-DNA position 990, 5 bases deleted (TGTAA; older notation c.990_990+4delTGTAA).
Molecular consequence: splice donor variant.
Genome position (GRCh38, 1-based): chr14:63,964,000-63,964,004, TGTAA deleted; deleting any 5 consecutive bases within chr14:63,963,997-63,964,004 gives the same sequence; the c. name uses the placement nearest the transcript's 3' end. VCF-style (leftmost placement, unchanged base first): chr14-63963996-ATAATG-A. GRCh37 (hg19) VCF-style: chr14-64430714-ATAATG-A.
Other names: c.990_990+4del (NM_015180.6).
Identifiers: ClinVar variation 2506503 (VCV002506503.1), dbSNP rs2550709678, ClinGen allele CA2580613693.